The following is an entry in ClinVar:

NM_017739.4(POMGNT1):c.185G>C (p.Arg62Pro)

Gene: POMGNT1 (protein O-linked mannose N-acetylglucosaminyltransferase 1 (beta 1,2-); minus strand). Cytogenetic location: 1p34.1.
Variant type: single nucleotide variant.
Coding change: c.185G>C on transcript NM_017739.4 (MANE Select); coding-DNA position 185, G replaced by C.
Protein change: p.Arg62Pro; replaces arginine 62 with proline.
Molecular consequence: missense variant. On other transcripts: 5 prime UTR variant (1).
Genome position (GRCh38, 1-based): chr1:46,197,020, C>G on the plus strand (G>C on the coding strand, the complement: POMGNT1 is on the minus strand). VCF-style: chr1-46197020-C-G. GRCh37 (hg19) VCF-style: chr1-46662692-C-G.
Other names: c.185G>C, p.Arg62Pro (NM_001243766.2, NM_001410783.1); c.119G>C, p.Arg40Pro (NM_001290129.3); c.-245G>C (NM_001290130.2); short protein forms R62P, R40P.
Identifiers: ClinVar variation 578613 (VCV000578613.8), dbSNP rs779506923, ClinGen allele CA340192057.

ClinVar aggregate classification (germline): Uncertain significance. Review status: criteria provided, multiple submitters, no conflicts (2 of 4 stars). 3 submissions from 3 submitters: Uncertain significance (2). 1 of the submissions does not count toward it. Last evaluated 2025-02-07.

Conditions:
Muscle eye brain disease (MEB). Also called: Santavuori congenital muscular dystrophy. Identifiers: Orphanet 588, Orphanet 899, MedGen C0457133, MONDO:0018939.
Muscular dystrophy-dystroglycanopathy (congenital with impaired intellectual development), type B, 3. Also called: Muscular dystrophy-dystroglycanopathy (congenital with intellectual disability), type B3; MUSCULAR DYSTROPHY, CONGENITAL, POMGNT1-RELATED. Identifiers: MedGen C3150412, MONDO:0013155, OMIM 613151.
Autosomal recessive limb-girdle muscular dystrophy type 2O. Also called: Limb-Girdle Muscular Dystrophy Type 3C; MUSCULAR DYSTROPHY-DYSTROGLYCANOPATHY (LIMB-GIRDLE), TYPE C, 3; MUSCULAR DYSTROPHY-DYSTROGLYCANOPATHY, LIMB-GIRDLE, POMGNT1-RELATED. Identifiers: Orphanet 206564, MedGen C3150417, MONDO:0013161, OMIM 613157.

Allele frequency attached by ClinVar (database versions not stated): TOPMed 0.00001; gnomAD 0.00002.

Submissions (3):

GeneDx
Classification: Uncertain significance. Last evaluated: 2025-02-07. Review status: criteria provided, single submitter. Criteria: GeneDx Variant Classification Process June 2021. Collection method: clinical testing. Allele origin: germline. Affected: yes.
Comment: Not observed at significant frequency in large population cohorts (gnomAD); In silico analysis indicates that this missense variant does not alter protein structure/function; Has not been previously published as pathogenic or benign to our knowledge; This variant is associated with the following publications: (PMID: 24282183)

Labcorp Genetics (formerly Invitae), Labcorp
Classification: Uncertain significance for Autosomal recessive limb-girdle muscular dystrophy type 2O; Muscular dystrophy-dystroglycanopathy (congenital with impaired intellectual development), type B, 3. Last evaluated: 2022-08-16. Review status: criteria provided, single submitter. Criteria: Invitae Variant Classification Sherloc (09022015). Collection method: clinical testing. Allele origin: germline.
Comment: This sequence change replaces arginine, which is basic and polar, with proline, which is neutral and non-polar, at codon 62 of the POMGNT1 protein (p.Arg62Pro). This variant is present in population databases (no rsID available, gnomAD 0.004%). This variant has not been reported in the literature in individuals affected with POMGNT1-related conditions. ClinVar contains an entry for this variant (Variation ID: 578613). Advanced modeling of protein sequence and biophysical properties (such as structural, functional, and spatial information, amino acid conservation, physicochemical variation, residue mobility, and thermodynamic stability) performed at Invitae indicates that this missense variant is not expected to disrupt POMGNT1 protein function. In summary, the available evidence is currently insufficient to determine the role of this variant in disease. Therefore, it has been classified as a Variant of Uncertain Significance.

Natera, Inc.
Classification: Uncertain significance for Muscle-eye-brain disease. Last evaluated: 2020-10-26. Review status: no assertion criteria provided. Collection method: clinical testing. Allele origin: germline. Not counted in ClinVar's aggregate classification.